The following is an entry in ClinVar:

NM_032578.4(MYPN):c.3485C>G (p.Ser1162Cys)

Gene: MYPN (myopalladin; plus strand). Cytogenetic location: 10q21.3.
Variant type: single nucleotide variant.
Coding change: c.3485C>G on transcript NM_032578.4 (MANE Select); coding-DNA position 3485, C replaced by G.
Protein change: p.Ser1162Cys; replaces serine 1162 with cysteine.
Molecular consequence: missense variant. On other transcripts: non-coding transcript variant (2).
Genome position (GRCh38, 1-based): chr10:68,199,567, C>G. VCF-style: chr10-68199567-C-G. GRCh37 (hg19) VCF-style: chr10-69959324-C-G.
Other names: c.3485C>G, p.Ser1162Cys (NM_001256267.2); c.2603C>G, p.Ser868Cys (NM_001256268.2); short protein forms S868C, S1162C.
Identifiers: ClinVar variation 1504702 (VCV001504702.8), dbSNP rs548754907, ClinGen allele CA208226238.

ClinVar aggregate classification (germline): Uncertain significance. Review status: criteria provided, multiple submitters, no conflicts (2 of 4 stars). 3 submissions from 3 submitters: Uncertain significance (3). Last evaluated 2023-02-28.

Conditions:
MYPN-related myopathy (CMYO24). Also called: Nemaline myopathy 11, autosomal recessive. Identifiers: MedGen C4479186, MONDO:0015023, OMIM 617336.
Dilated cardiomyopathy 1KK (CMD1KK). Identifiers: Orphanet 154, Orphanet 75249, MedGen C3714995, MONDO:0014100, OMIM 615248.
Cardiovascular phenotype. Identifiers: MedGen CN230736.

Allele frequency attached by ClinVar (database versions not stated): gnomAD exomes below 0.00001; gnomAD 0.00002; TOPMed 0.00003.
gnomAD v4.1: 4 of 1,601,794 alleles (0.00025%); highest among the groups gnomAD compares: African/African-American, 0.0055%; no homozygotes.

Submissions (3):

Ambry Genetics
Classification: Uncertain significance for Cardiovascular phenotype. Last evaluated: 2023-02-28. Review status: criteria provided, single submitter. Criteria: Ambry Variant Classification Scheme 2023. Collection method: clinical testing. Allele origin: germline.
Comment: The p.S1162C variant (also known as c.3485C>G), located in coding exon 16 of the MYPN gene, results from a C to G substitution at nucleotide position 3485. The serine at codon 1162 is replaced by cysteine, an amino acid with dissimilar properties. This amino acid position is poorly conserved in available vertebrate species. In addition, this alteration is predicted to be tolerated by in silico analysis. Since supporting evidence is limited at this time, the clinical significance of this alteration remains unclear.

Fulgent Genetics
Classification: Uncertain significance for Dilated cardiomyopathy 1KK; MYPN-related myopathy. Last evaluated: 2021-08-02. Review status: criteria provided, single submitter. Criteria: ACMG Guidelines, 2015. Collection method: clinical testing. Allele origin: unknown.

Labcorp Genetics (formerly Invitae), Labcorp
Classification: Uncertain significance for Dilated cardiomyopathy 1KK. Last evaluated: 2021-07-31. Review status: criteria provided, single submitter. Criteria: Invitae Variant Classification Sherloc (09022015). Collection method: clinical testing. Allele origin: germline.
Comment: This sequence change replaces serine with cysteine at codon 1162 of the MYPN protein (p.Ser1162Cys). The serine residue is weakly conserved and there is a moderate physicochemical difference between serine and cysteine. This variant is not present in population databases (ExAC no frequency). This variant has not been reported in the literature in individuals affected with MYPN-related conditions. Algorithms developed to predict the effect of missense changes on protein structure and function are either unavailable or do not agree on the potential impact of this missense change (SIFT: "Tolerated"; PolyPhen-2: "Possibly Damaging"; Align-GVGD: "Class C0"). In summary, the available evidence is currently insufficient to determine the role of this variant in disease. Therefore, it has been classified as a Variant of Uncertain Significance.